The following is an entry in ClinVar:

NM_018297.4(NGLY1):c.1063T>C (p.Cys355Arg)

Gene: NGLY1 (N-glycanase 1; minus strand). Cytogenetic location: 3p24.2.
Variant type: single nucleotide variant.
Coding change: c.1063T>C on transcript NM_018297.4 (MANE Select); coding-DNA position 1063, T replaced by C.
Protein change: p.Cys355Arg; replaces cysteine 355 with arginine.
Molecular consequence: missense variant. On other transcripts: intron variant (1).
Genome position (GRCh38, 1-based): chr3:25,736,090, A>G on the plus strand (T>C on the coding strand, the complement: NGLY1 is on the minus strand). VCF-style: chr3-25736090-A-G. GRCh37 (hg19) VCF-style: chr3-25777581-A-G.
Other names: c.937T>C, p.Cys313Arg (NM_001145294.2); c.1063T>C, p.Cys355Arg (NM_001145295.2); c.1095+219T>C (NM_001145293.2); short protein forms C355R, C313R.
Identifiers: ClinVar variation 1498361 (VCV001498361.9), dbSNP rs762908677, ClinGen allele CA2289279.
Genomic context (GRCh38, chr3:25,736,090, plus strand): 5'-AGGAAAGCTTCTTGCCCCATCCTATTTCATAAAGGAGTGGCTTGTCACAGACATCTTCAC[A>G]TGCATCACAGTGCAGCCACCGCTGCTGAGAAGGAGAATAGACTTCTGTCCAGACATGGTC-3'
Protein context (NP_060767.2, residues 345-365): SQQRWLHCDA[Cys355Arg]EDVCDKPLLY

ClinVar aggregate classification (germline): Conflicting classifications of pathogenicity. Review status: criteria provided, conflicting classifications (1 of 4 stars). 3 submissions from 3 submitters: Likely pathogenic (1); Uncertain significance (2). Last evaluated 2025-10-17.

Conditions:
Congenital disorder of deglycosylation (CDDG). Identifiers: MedGen C3808991, MONDO:0031376.

Allele frequency attached by ClinVar (database versions not stated): gnomAD 0.00001; gnomAD exomes 0.00002; TOPMed 0.00002; ExAC 0.00005.
gnomAD v4.1: 24 of 1,613,870 alleles (0.0015%); highest among the groups gnomAD compares: Non-Finnish European, 0.002%; no homozygotes.

Submissions (3):

Women's Health and Genetics/Laboratory Corporation of America, LabCorp
Classification: Likely pathogenic for Congenital disorder of deglycosylation. Last evaluated: 2025-10-17. Review status: criteria provided, single submitter. Criteria: LabCorp Variant Classification Summary - May 2015. Collection method: clinical testing. Allele origin: germline.
Comment: Variant summary: NGLY1 c.1063T>C (p.Cys355Arg) results in a non-conservative amino acid change in the encoded protein sequence. Algorithms developed to predict the effect of missense changes on protein structure and function are either unavailable or do not agree on the potential impact of this missense change. The variant allele was found at a frequency of 2.4e-05 in 250370 control chromosomes (gnomAD). c.1063T>C has been observed in individuals affected with Congenital Disorder Of Deglycosylation (Lipiski_2021, Yuan_2024). At least one publication reports experimental evidence evaluating an impact on protein function and this variant affects enzymatic activity (Yuan_2024). The following publications have been ascertained in the context of this evaluation (PMID: 34291020, 38628705). ClinVar contains an entry for this variant (Variation ID: 1498361). Based on the evidence outlined above, the variant was classified as likely pathogenic.

Labcorp Genetics (formerly Invitae), Labcorp
Classification: Uncertain significance for Congenital disorder of deglycosylation. Last evaluated: 2022-07-11. Review status: criteria provided, single submitter. Criteria: Invitae Variant Classification Sherloc (09022015). Collection method: clinical testing. Allele origin: germline.
Comment: This sequence change replaces cysteine, which is neutral and slightly polar, with arginine, which is basic and polar, at codon 355 of the NGLY1 protein (p.Cys355Arg). This variant is present in population databases (rs762908677, gnomAD 0.005%). This variant has not been reported in the literature in individuals affected with NGLY1-related conditions. ClinVar contains an entry for this variant (Variation ID: 1498361). Algorithms developed to predict the effect of missense changes on protein structure and function are either unavailable or do not agree on the potential impact of this missense change (SIFT: "Deleterious"; PolyPhen-2: "Probably Damaging"; Align-GVGD: "Class C15"). In summary, the available evidence is currently insufficient to determine the role of this variant in disease. Therefore, it has been classified as a Variant of Uncertain Significance.

Blueprint Genetics
Classification: Uncertain significance. Last evaluated: 2019-04-29. Review status: criteria provided, single submitter. Criteria: ACMG Guidelines, 2015. Collection method: clinical testing. Allele origin: germline.

Literature cited by the submitters: PubMed 38628705 (cited by Women's Health and Genetics/Laboratory Corporation of America, LabCorp); PubMed 34291020 (cited by Women's Health and Genetics/Laboratory Corporation of America, LabCorp).